The following is an entry in ClinVar:

NM_001142864.4(PIEZO1):c.669C>T (p.Tyr223=)

Genes: HSALR1 (HSP90AB1 associated lncRNA 1; plus strand), PIEZO1 (piezo type mechanosensitive ion channel component 1 (Er blood group); minus strand). Cytogenetic location: 16q24.3.
Variant type: single nucleotide variant.
Coding change: c.669C>T on transcript NM_001142864.4 (MANE Select); coding-DNA position 669, C replaced by T.
Protein change: p.Tyr223=; no amino-acid change (tyrosine 223 retained).
Molecular consequence: synonymous variant.
Genome position (GRCh38, 1-based): chr16:88,738,406, G>A on the plus strand (C>T on the coding strand, the complement: PIEZO1 is on the minus strand). VCF-style: chr16-88738406-G-A. GRCh37 (hg19) VCF-style: chr16-88804814-G-A.
Identifiers: ClinVar variation 770440 (VCV000770440.9), dbSNP rs752848226, ClinGen allele CA8233215.

ClinVar aggregate classification (germline): Likely benign. Review status: criteria provided, multiple submitters, no conflicts (2 of 4 stars). 3 submissions from 3 submitters: Likely benign (2). 1 of the submissions does not count toward it. Last evaluated 2024-12-17.

Conditions:
PIEZO1-related disorder. Also called: PIEZO1-related condition; PIEZO1-Related Disorders.

Allele frequency attached by ClinVar (database versions not stated): ExAC 0.00012; gnomAD exomes 0.00017; gnomAD 0.00024 and 0.00075; TOPMed 0.00077.

Submissions (3):

Labcorp Genetics (formerly Invitae), Labcorp
Classification: Likely benign. Last evaluated: 2024-12-17. Review status: criteria provided, single submitter. Criteria: Invitae Variant Classification Sherloc (09022015). Collection method: clinical testing. Allele origin: germline.

Blueprint Genetics
Classification: Likely benign. Last evaluated: 2024-09-12. Review status: criteria provided, single submitter. Criteria: ACMG Guidelines, 2015. Collection method: clinical testing. Allele origin: germline.

PreventionGenetics, part of Exact Sciences
Classification: Likely benign for PIEZO1-related condition. Last evaluated: 2019-10-28. Review status: no assertion criteria provided. Collection method: clinical testing. Allele origin: germline. Not counted in ClinVar's aggregate classification.
Comment: This variant is classified as likely benign based on ACMG/AMP sequence variant interpretation guidelines (Richards et al. 2015 PMID: 25741868, with internal and published modifications).